The following is an entry in ClinVar:

NM_005726.6(TSFM):c.816C>T (p.Asp272=)

Gene: TSFM (Ts translation elongation factor, mitochondrial; plus strand). Cytogenetic location: 12q14.1.
Variant type: single nucleotide variant.
Coding change: c.816C>T on transcript NM_005726.6 (MANE Select); coding-DNA position 816, C replaced by T.
Protein change: p.Asp272=; no amino-acid change (aspartic acid 272 retained).
Molecular consequence: synonymous variant. On other transcripts: 3 prime UTR variant (1), intron variant (1).
Genome position (GRCh38, 1-based): chr12:57,796,421, C>T. VCF-style: chr12-57796421-C-T. GRCh37 (hg19) VCF-style: chr12-58190204-C-T.
Other names: c.879C>T, p.Asp293= (NM_001172696.2); c.*224C>T (NM_001172695.2); c.571+3348C>T (NM_001172697.2).
Identifiers: ClinVar variation 310020 (VCV000310020.20), dbSNP rs183575246, ClinGen allele CA6659456.

ClinVar aggregate classification (germline): Conflicting classifications of pathogenicity. Review status: criteria provided, conflicting classifications (1 of 4 stars). 5 submissions from 5 submitters: Uncertain significance (1); Likely benign (2). 2 of the submissions do not count toward it. Last evaluated 2026-06-01.

Conditions:
TSFM-related disorder. Also called: TSFM-related condition.
Fatal mitochondrial disease due to combined oxidative phosphorylation defect type 3. Also called: ENCEPHALOMYOPATHY, RESPIRATORY FAILURE, AND LACTIC ACIDOSIS; Combined oxidative phosphorylation deficiency 3. Identifiers: Orphanet 168566, MedGen C1864840, MONDO:0012512, OMIM 610505.

Allele frequency attached by ClinVar (database versions not stated): gnomAD 0.00003 and 0.00004; gnomAD exomes 0.00004 and 0.00014; ESP Exome Variant Server 0.00008; TOPMed 0.00010; 1000 Genomes Project 30x 0.00016; ExAC 0.00017; 1000 Genomes Project 0.00020.

Submissions (5):

CeGaT Center for Human Genetics Tuebingen
Classification: Likely benign. Last evaluated: 2026-06-01. Review status: criteria provided, single submitter. Criteria: CeGaT Center For Human Genetics Tuebingen Variant Classification Criteria Version 2. Collection method: clinical testing. Allele origin: germline. Affected: yes. Observed: 1 variant allele.
Comment: TSFM: BP4, BP7

Labcorp Genetics (formerly Invitae), Labcorp
Classification: Likely benign. Last evaluated: 2026-01-08. Review status: criteria provided, single submitter. Criteria: Invitae Variant Classification Sherloc (09022015). Collection method: clinical testing. Allele origin: germline.

Illumina Laboratory Services, Illumina
Classification: Uncertain significance for Fatal mitochondrial disease due to combined oxidative phosphorylation defect type 3. Last evaluated: 2018-01-13. Review status: criteria provided, single submitter. Criteria: ICSL Variant Classification Criteria 13 December 2019. Collection method: clinical testing. Allele origin: germline.

Natera, Inc.
Classification: Likely benign for Combined oxidative phosphorylation deficiency 3. Last evaluated: 2020-05-19. Review status: no assertion criteria provided. Collection method: clinical testing. Allele origin: germline. Not counted in ClinVar's aggregate classification.

PreventionGenetics, part of Exact Sciences
Classification: Likely benign for TSFM-related condition. Last evaluated: 2020-03-03. Review status: no assertion criteria provided. Collection method: clinical testing. Allele origin: germline. Not counted in ClinVar's aggregate classification.
Comment: This variant is classified as likely benign based on ACMG/AMP sequence variant interpretation guidelines (Richards et al. 2015 PMID: 25741868, with internal and published modifications).